The following is an entry in ClinVar:

ClinVar aggregate classification (germline): Uncertain significance (1 of 4 stars; one submission).

Conditions:
Compton-North congenital myopathy (CMYO12). Identifiers: Orphanet 210163, MedGen C2675527, MONDO:0012929, OMIM 612540.

Allele frequency attached by ClinVar (database versions not stated): gnomAD exomes below 0.00001.
gnomAD v4.1: 2 of 1,599,826 alleles (0.00013%); highest among the groups gnomAD compares: Non-Finnish European, 0.00017%; no homozygotes.

Submission:

Labcorp Genetics (formerly Invitae), Labcorp
Classification: Uncertain significance for Compton-North congenital myopathy. Last evaluated: 2022-09-22. Review status: criteria provided, single submitter. Criteria: Invitae Variant Classification Sherloc (09022015). Collection method: clinical testing. Allele origin: germline.
Comment: This variant is not present in population databases (gnomAD no frequency). This sequence change replaces asparagine, which is neutral and polar, with histidine, which is basic and polar, at codon 472 of the CNTN1 protein (p.Asn472His). This variant has not been reported in the literature in individuals affected with CNTN1-related conditions. In summary, the available evidence is currently insufficient to determine the role of this variant in disease. Therefore, it has been classified as a Variant of Uncertain Significance. Advanced modeling of protein sequence and biophysical properties (such as structural, functional, and spatial information, amino acid conservation, physicochemical variation, residue mobility, and thermodynamic stability) performed at Invitae indicates that this missense variant is not expected to disrupt CNTN1 protein function. ClinVar contains an entry for this variant (Variation ID: 949265).

NM_001843.4(CNTN1):c.1414A>C (p.Asn472His)

Gene: CNTN1 (contactin 1; plus strand). Cytogenetic location: 12q12.
Variant type: single nucleotide variant.
Coding change: c.1414A>C on transcript NM_001843.4 (MANE Select); coding-DNA position 1414, A replaced by C.
Protein change: p.Asn472His; replaces asparagine 472 with histidine.
Molecular consequence: missense variant.
Genome position (GRCh38, 1-based): chr12:40,943,631, A>C. VCF-style: chr12-40943631-A-C. GRCh37 (hg19) VCF-style: chr12-41337433-A-C.
Other names: c.1414A>C, p.Asn472His (NM_001256063.2, NM_001256064.2); c.1381A>C, p.Asn461His (NM_175038.2); short protein forms N461H, N472H.
Identifiers: ClinVar variation 949265 (VCV000949265.10), dbSNP rs1946336293, ClinGen allele CA384424578.